The following is an entry in ClinVar:

ClinVar aggregate classification (germline): Uncertain significance (1 of 4 stars; one submission).

Submission:

CeGaT Center for Human Genetics Tuebingen
Classification: Uncertain significance. Last evaluated: 2026-06-01. Review status: criteria provided, single submitter. Criteria: CeGaT Center For Human Genetics Tuebingen Variant Classification Criteria Version 2. Collection method: clinical testing. Allele origin: germline. Affected: yes. Observed: 1 variant allele.
Comment: DST: PM2

NM_001374736.1(DST):c.18811A>C (p.Ser6271Arg)

Gene: DST (dystonin; minus strand). Cytogenetic location: 6p12.1.
Variant type: single nucleotide variant.
Coding change: c.18811A>C on transcript NM_001374736.1 (MANE Select); coding-DNA position 18811, A replaced by C.
Protein change: p.Ser6271Arg; replaces serine 6271 with arginine.
Molecular consequence: missense variant.
Genome position (GRCh38, 1-based): chr6:56,509,843, T>G on the plus strand (A>C on the coding strand, the complement: DST is on the minus strand). VCF-style: chr6-56509843-T-G. GRCh37 (hg19) VCF-style: chr6-56374641-T-G.
Other names: c.12454A>C, p.Ser4152Arg (NM_001144769.5); c.12040A>C, p.Ser4014Arg (NM_001144770.2); c.18811A>C, p.Ser6271Arg (NM_001374722.1); c.17851A>C, p.Ser5951Arg (NM_001374729.1); c.11593A>C, p.Ser3865Arg (NM_001374730.1); c.18838A>C, p.Ser6280Arg (NM_001374734.1); c.11920A>C, p.Ser3974Arg (NM_001386100.1, NM_183380.4); c.10942A>C, p.Ser3648Arg (NM_015548.5); short protein forms S3648R, S3865R, S3974R, S4014R, S4152R, S5951R, S6271R, S6280R.
Identifiers: ClinVar variation 4875078 (VCV004875078.2).